The following is an entry in ClinVar:

NM_004183.4(BEST1):c.905A>G (p.Asp302Gly)

Gene: BEST1 (bestrophin 1; plus strand). Cytogenetic location: 11q12.3.
Variant type: single nucleotide variant.
Coding change: c.905A>G on transcript NM_004183.4 (MANE Select); coding-DNA position 905, A replaced by G.
Protein change: p.Asp302Gly; replaces aspartic acid 302 with glycine.
Molecular consequence: missense variant. On other transcripts: non-coding transcript variant (1), intron variant (1).
Genome position (GRCh38, 1-based): chr11:61,959,535, A>G. VCF-style: chr11-61959535-A-G. GRCh37 (hg19) VCF-style: chr11-61727007-A-G.
Other names: c.725A>G, p.Asp242Gly (NM_001139443.3, NM_001300787.2); c.587A>G, p.Asp196Gly (NM_001363591.3); c.1108A>G, p.Met370Val (NM_001363592.2); c.-68A>G (NM_001363593.3); c.688-357A>G (NM_001300786.2); short protein forms D302G, D196G, M370V, D242G.
Identifiers: ClinVar variation 99775 (VCV000099775.9), dbSNP rs281865263, ClinGen allele CA227847.
Genomic context (GRCh38, chr11:61,959,535, plus strand): 5'-ACAGAGCCTCACCTGTCCCCAAGGTGGCAGAGCAGCTCATCAACCCCTTTGGAGAGGATG[A>G]TGATGATTTTGAGACCAACTGGATTGTCGACAGGAATTTGCAGGTATGGGGAGAGGGAGA-3'
Protein context (NP_004174.1, residues 292-312): EQLINPFGED[Asp302Gly]DDFETNWIVD

ClinVar aggregate classification (germline): Likely pathogenic. Review status: criteria provided, multiple submitters, no conflicts (2 of 4 stars). 3 submissions from 3 submitters: Likely pathogenic (2). 1 of the submissions does not count toward it. Last evaluated 2021-10-17.

Conditions:
BEST1-related disorder. Also called: BEST1-related disorders; BEST1-related condition. Identifiers: MedGen CN239200.

Submissions (3):

Blueprint Genetics
Classification: Likely pathogenic for BEST1-related disorders. Last evaluated: 2021-10-17. Review status: criteria provided, single submitter. Criteria: ACMG Guidelines, 2015. Collection method: clinical testing. Allele origin: germline. Affected: yes. Observed: 2 variant alleles.

Labcorp Genetics (formerly Invitae), Labcorp
Classification: Likely pathogenic. Last evaluated: 2021-04-24. Review status: criteria provided, single submitter. Criteria: Invitae Variant Classification Sherloc (09022015). Collection method: clinical testing. Allele origin: germline.
Comment: In summary, the currently available evidence indicates that the variant is pathogenic, but additional data are needed to prove that conclusively. Therefore, this variant has been classified as Likely Pathogenic. This variant disrupts the p.Asp302 amino acid residue in BEST1. Other variant(s) that disrupt this residue have been determined to be pathogenic (PMID: 21269699, 28559085). This suggests that this residue is clinically significant, and that variants that disrupt this residue are likely to be disease-causing. Algorithms developed to predict the effect of sequence changes on RNA splicing suggest that this variant may create or strengthen a splice site, but this prediction has not been confirmed by published transcriptional studies. Advanced modeling of protein sequence and biophysical properties (such as structural, functional, and spatial information, amino acid conservation, physicochemical variation, residue mobility, and thermodynamic stability) performed at Invitae indicates that this missense variant is expected to disrupt BEST1 protein function. This variant has been observed in individual(s) with autosomal dominant Best disease (PMID: 10798642). ClinVar contains an entry for this variant (Variation ID: 99775). This variant is not present in population databases (ExAC no frequency). This sequence change replaces aspartic acid with glycine at codon 302 of the BEST1 protein (p.Asp302Gly). The aspartic acid residue is highly conserved and there is a moderate physicochemical difference between aspartic acid and glycine.

Retina International
No classification provided. Review status: no classification provided. Collection method: not provided. Allele origin: not provided. Not counted in ClinVar's aggregate classification.

Literature cited by the submitters: PubMed 21269699 (cited by Labcorp Genetics (formerly Invitae), Labcorp); PubMed 28559085 (cited by Labcorp Genetics (formerly Invitae), Labcorp); PubMed 10798642 (cited by Labcorp Genetics (formerly Invitae), Labcorp).